The following is an entry in ClinVar:

ClinVar aggregate classification (germline): Uncertain significance (1 of 4 stars; one submission).

Conditions:
Hereditary cancer-predisposing syndrome. Also called: Neoplastic Syndromes, Hereditary; Tumor predisposition; Hereditary neoplastic syndrome; Hereditary Cancer Syndrome. Identifiers: Orphanet 140162, MedGen C0027672, MeSH D009386, MONDO:0015356.

Submission:

Ambry Genetics
Classification: Uncertain significance for Hereditary cancer-predisposing syndrome. Last evaluated: 2026-07-17. Review status: criteria provided, single submitter. Criteria: Ambry Variant Classification Scheme 2023. Collection method: clinical testing. Allele origin: germline.
Comment: The p.S644A variant (also known as c.1930T>G), located in coding exon 13 of the TSC1 gene, results from a T to G substitution at nucleotide position 1930. The serine at codon 644 is replaced by alanine, an amino acid with similar properties. This amino acid position is conserved. In addition, this alteration is predicted to be deleterious by in silico analysis. Based on the available evidence, the clinical significance of this variant remains unclear.

NM_000368.5(TSC1):c.1930T>G (p.Ser644Ala)

Gene: TSC1 (TSC complex subunit 1; minus strand). Cytogenetic location: 9q34.13.
Variant type: single nucleotide variant.
Coding change: c.1930T>G on transcript NM_000368.5 (MANE Select); coding-DNA position 1930, T replaced by G.
Protein change: p.Ser644Ala; replaces serine 644 with alanine.
Molecular consequence: missense variant. On other transcripts: non-coding transcript variant (5).
Genome position (GRCh38, 1-based): chr9:132,905,648, A>C on the plus strand (T>G on the coding strand, the complement: TSC1 is on the minus strand). VCF-style: chr9-132905648-A-C. GRCh37 (hg19) VCF-style: chr9-135781035-A-C.
Other names: c.1774T>G, p.Ser592Ala (NM_001406613.1, NM_001406611.1, NM_001406612.1); c.1567T>G, p.Ser523Ala (NM_001406614.1, NM_001406615.1, NM_001406616.1 and 5 more transcripts); c.1564T>G, p.Ser522Ala (NM_001406620.1, NM_001406621.1, NM_001406622.1 and 2 more transcripts); c.979T>G, p.Ser327Ala (NM_001406626.1); c.976T>G, p.Ser326Ala (NM_001406627.1, NM_001406628.1); c.877T>G, p.Ser293Ala (NM_001406629.1, NM_001406630.1); c.1927T>G, p.Ser643Ala (NM_001162426.2, NM_001406597.1, NM_001406598.1 and 6 more transcripts); c.1777T>G, p.Ser593Ala (NM_001162427.2, NM_001406610.1); and 1 more; short protein forms S293A, S327A, S523A, S326A, S522A, S593A, S644A, S643A.
Identifiers: ClinVar variation 5031234 (VCV005031234.1).